The following is an entry in ClinVar:

NM_007294.4(BRCA1):c.5417C>G (p.Pro1806Arg)

Gene: BRCA1 (BRCA1 DNA repair associated; minus strand). Cytogenetic location: 17q21.31.
Variant type: single nucleotide variant.
Coding change: c.5417C>G on transcript NM_007294.4 (MANE Select); coding-DNA position 5417, C replaced by G.
Protein change: p.Pro1806Arg; replaces proline 1806 with arginine.
Molecular consequence: missense variant. On other transcripts: synonymous variant (17).
Genome position (GRCh38, 1-based): chr17:43,047,693, G>C on the plus strand (C>G on the coding strand, the complement: BRCA1 is on the minus strand). VCF-style: chr17-43047693-G-C. GRCh37 (hg19) VCF-style: chr17-41199710-G-C.
Other names: c.5408C>G, p.Pro1803Arg (NM_001407644.1, NM_001407645.1); c.5405C>G, p.Pro1802Arg (NM_001407646.1); c.5402C>G, p.Pro1801Arg (NM_001407647.1); c.5360C>G, p.Pro1787Arg (NM_001407648.1); c.5357C>G, p.Pro1786Arg (NM_001407649.1); c.5339C>G, p.Pro1780Arg (NM_001407652.1, NM_001407653.1, NM_001407654.1 and 1 more transcripts); c.5336C>G, p.Pro1779Arg (NM_001407656.1, NM_001407657.1, NM_001407658.1); c.5333C>G, p.Pro1778Arg (NM_001407659.1, NM_001407660.1, NM_001407661.1 and 2 more transcripts); and 83 more; short protein forms P1759R, P1806R, P1827R, P702R, P1510R, P1677R, P1722R, P1734R.
Identifiers: ClinVar variation 868079 (VCV000868079.3), dbSNP rs2050992362, ClinGen allele CA10590622.

Conditions:
Breast-ovarian cancer, familial, susceptibility to, 1 (BROVCA1). Also called: BRCA1 Hereditary Breast and Ovarian Cancer; OVARIAN CANCER, SUSCEPTIBILITY TO. Identifiers: Orphanet 145, MedGen C2676676, MONDO:0011450, OMIM 604370. Disease mechanism: loss of function.

Submission:

Brotman Baty Institute, University of Washington
No classification provided (evidence only). Condition: Breast-ovarian cancer, familial 1. Review status: no classification provided. Collection method: in vitro. Allele origin: not applicable. Functional consequence: functionally_normal.
ClinVar note: "not provided" was previously submitted as the classification for the variant. However, the classification appeared to be based only on an observation of functional data so it was converted to no classification on 2025-07-30.